The following is an entry in ClinVar:

ClinVar aggregate classification (germline): Uncertain significance. Review status: criteria provided, multiple submitters, no conflicts (2 of 4 stars). 4 submissions from 4 submitters: Uncertain significance (2). 2 of the submissions do not count toward it. Last evaluated 2024-10-16.

Conditions:
Atrial septal defect 3 (ASD3). Identifiers: Orphanet 1478, MedGen C3279790, MONDO:0013567, OMIM 614089.
Hypertrophic cardiomyopathy 1 (CMH1). Also called: MYH7-Related Familial Hypertrophic Cardiomyopathy; Familial hypertrophic cardiomyopathy 1. Identifiers: MedGen C3495498, MONDO:0008647, OMIM 192600.
Dilated cardiomyopathy 1EE (CMD1EE). Identifiers: Orphanet 154, MedGen C2750466, MONDO:0013198, OMIM 613252.
Hypertrophic cardiomyopathy 14. Identifiers: MedGen C2750467, MONDO:0013197, OMIM 613251.
Sick sinus syndrome 3, susceptibility to (SSS3). Identifiers: Orphanet 166282, MedGen C3279791, MONDO:0013568, OMIM 614090.

Allele frequency attached by ClinVar (database versions not stated): TOPMed below 0.00001; gnomAD 0.00001.
gnomAD v4.1: 10 of 1,614,038 alleles (0.00062%); highest among the groups gnomAD compares: South Asian, 0.0033%; no homozygotes.

Submissions (4):

Labcorp Genetics (formerly Invitae), Labcorp
Classification: Uncertain significance for Hypertrophic cardiomyopathy 14. Last evaluated: 2024-10-16. Review status: criteria provided, single submitter. Criteria: Invitae Variant Classification Sherloc (09022015). Collection method: clinical testing. Allele origin: germline.
Comment: This sequence change replaces arginine, which is basic and polar, with tryptophan, which is neutral and slightly polar, at codon 1291 of the MYH6 protein (p.Arg1291Trp). The frequency data for this variant in the population databases is considered unreliable, as metrics indicate poor data quality at this position in the gnomAD database. This variant has not been reported in the literature in individuals affected with MYH6-related conditions. ClinVar contains an entry for this variant (Variation ID: 1174973). Invitae Evidence Modeling of protein sequence and biophysical properties (such as structural, functional, and spatial information, amino acid conservation, physicochemical variation, residue mobility, and thermodynamic stability) indicates that this missense variant is not expected to disrupt MYH6 protein function with a negative predictive value of 80%. In summary, the available evidence is currently insufficient to determine the role of this variant in disease. Therefore, it has been classified as a Variant of Uncertain Significance.

Fulgent Genetics
Classification: Uncertain significance for Hypertrophic cardiomyopathy 1; Hypertrophic cardiomyopathy 14; Dilated cardiomyopathy 1EE; Atrial septal defect 3; Sick sinus syndrome 3, susceptibility to. Last evaluated: 2021-08-27. Review status: criteria provided, single submitter. Criteria: ACMG Guidelines, 2015. Collection method: clinical testing. Allele origin: unknown.

Clinical Genetics DNA and cytogenetics Diagnostics Lab, Erasmus MC, Erasmus Medical Center
Classification: Uncertain significance. Review status: no assertion criteria provided. Collection method: clinical testing. Allele origin: germline. Affected: yes. Study: VKGL Data-share Consensus. Not counted in ClinVar's aggregate classification.

Diagnostic Laboratory, Department of Genetics, University Medical Center Groningen
Classification: Uncertain significance. Review status: no assertion criteria provided. Collection method: clinical testing. Allele origin: germline. Affected: yes. Study: VKGL Data-share Consensus. Not counted in ClinVar's aggregate classification.

NM_002471.4(MYH6):c.3871C>T (p.Arg1291Trp)

Gene: MYH6 (myosin heavy chain 6; minus strand). Cytogenetic location: 14q11.2.
Variant type: single nucleotide variant.
Coding change: c.3871C>T on transcript NM_002471.4 (MANE Select); coding-DNA position 3871, C replaced by T.
Protein change: p.Arg1291Trp; replaces arginine 1291 with tryptophan.
Molecular consequence: missense variant.
Genome position (GRCh38, 1-based): chr14:23,389,500, G>A on the plus strand (C>T on the coding strand, the complement: MYH6 is on the minus strand). VCF-style: chr14-23389500-G-A. GRCh37 (hg19) VCF-style: chr14-23858709-G-A.
Other names: short protein forms R1291W.
Identifiers: ClinVar variation 1174973 (VCV001174973.8), dbSNP rs1372245953, ClinGen allele CA389003075.
Genomic context (GRCh38, chr14:23,389,500, plus strand): 5'-TATAAGAGAGCTTCCCCCGGGTCAGCTGCGAGATTAGCGCCTCCTTTTCCTCTAGCTGCC[G>A]GGCCAACTCTCCTGGAGGTGAAATGAGGGGCTTGTGGGCCATTTCACAAGTCATGTCCTG-3'
Protein context (NP_002462.2, residues 1281-1301): KLQTENGELA[Arg1291Trp]QLEEKEALIS